The following is an entry in ClinVar:

ClinVar aggregate classification (germline): Uncertain significance (1 of 4 stars; one submission).

gnomAD v4.1: 1 of 1,602,374 alleles (0.000062%); no homozygotes.

Submission:

Labcorp Genetics (formerly Invitae), Labcorp
Classification: Uncertain significance. Last evaluated: 2025-11-23. Review status: criteria provided, single submitter. Criteria: Invitae Variant Classification Sherloc (09022015). Collection method: clinical testing. Allele origin: germline.
Comment: This sequence change affects codon 474 of the YME1L1 mRNA. It is a 'silent' change, meaning that it does not change the encoded amino acid sequence of the YME1L1 protein. This variant is not present in population databases (gnomAD no frequency). This variant has not been reported in the literature in individuals affected with YME1L1-related conditions. Algorithms developed to predict the effect of sequence changes on RNA splicing suggest that this variant may disrupt the consensus splice site. In summary, the available evidence is currently insufficient to determine the role of this variant in disease. Therefore, it has been classified as a Variant of Uncertain Significance.

NM_014263.4(YME1L1):c.1251A>G (p.Glu417=)

Gene: YME1L1 (YME1 like 1 ATPase; minus strand). Cytogenetic location: 10p12.1.
Variant type: single nucleotide variant.
Coding change: c.1251A>G on transcript NM_014263.4 (MANE Select); coding-DNA position 1251, A replaced by G.
Protein change: p.Glu417=; no amino-acid change (glutamic acid 417 retained).
Molecular consequence: synonymous variant.
Genome position (GRCh38, 1-based): chr10:27,121,433, T>C on the plus strand (A>G on the coding strand, the complement: YME1L1 is on the minus strand). VCF-style: chr10-27121433-T-C. GRCh37 (hg19) VCF-style: chr10-27410362-T-C.
Other names: c.1152A>G, p.Glu384= (NM_001253866.2); c.1422A>G, p.Glu474= (NM_139312.3).
Identifiers: ClinVar variation 4731494 (VCV004731494.1).